The following is an entry in ClinVar:

NM_005026.5(PIK3CD):c.2704C>T (p.Arg902Ter)

Gene: PIK3CD (phosphatidylinositol-4,5-bisphosphate 3-kinase catalytic subunit delta; plus strand). Cytogenetic location: 1p36.22.
Variant type: single nucleotide variant.
Coding change: c.2704C>T on transcript NM_005026.5 (MANE Select); coding-DNA position 2704, C replaced by T.
Protein change: p.Arg902Ter; replaces arginine 902 with a stop codon.
Molecular consequence: nonsense.
Genome position (GRCh38, 1-based): chr1:9,724,078, C>T. VCF-style: chr1-9724078-C-T. GRCh37 (hg19) VCF-style: chr1-9784136-C-T.
Other names: c.2701C>T, p.Arg901Ter (NM_001350234.2); c.2617C>T, p.Arg873Ter (NM_001350235.1); short protein forms R873*, R902*, R901*.
Identifiers: ClinVar variation 2849820 (VCV002849820.3), dbSNP rs2525151352, ClinGen allele CA338307789.

ClinVar aggregate classification (germline): Pathogenic (1 of 4 stars; one submission).

Conditions:
Immunodeficiency 14 (IMD14A). Also called: ACTIVATED PI3K-DELTA SYNDROME 1; p110-DELTA-ACTIVATING MUTATION CAUSING SENESCENT T CELLS, LYMPHADENOPATHY, AND IMMUNODEFICIENCY; Activated PI3K Delta Syndrome Type 1 (APDS1); IMMUNODEFICIENCY 14A WITH LYMPHOPROLIFERATION, AUTOSOMAL DOMINANT. Identifiers: Orphanet 397596, Orphanet 693661, MedGen C5907821, MONDO:0014222, OMIM 615513.

Submission:

Labcorp Genetics (formerly Invitae), Labcorp
Classification: Pathogenic for Activated PI3K-delta syndrome. Last evaluated: 2025-06-17. Review status: criteria provided, single submitter. Criteria: Invitae Variant Classification Sherloc (09022015). Collection method: clinical testing. Allele origin: germline.
Comment: This sequence change creates a premature translational stop signal (p.Arg902*) in the PIK3CD gene. It is expected to result in an absent or disrupted protein product. Loss-of-function variants in PIK3CD are known to be pathogenic (PMID: 30040974, 31073077). This variant is not present in population databases (gnomAD no frequency). This variant has not been reported in the literature in individuals affected with PIK3CD-related conditions. ClinVar contains an entry for this variant (Variation ID: 2849820). For these reasons, this variant has been classified as Pathogenic.

Literature cited by the submitters: PubMed 30040974; PubMed 31073077.